The following is an entry in ClinVar:

NM_002764.4(PRPS1):c.477C>T (p.Ile159=)

Gene: PRPS1 (phosphoribosyl pyrophosphate synthetase 1; plus strand). Cytogenetic location: Xq22.3.
Variant type: single nucleotide variant.
Coding change: c.477C>T on transcript NM_002764.4 (MANE Select); coding-DNA position 477, C replaced by T.
Protein change: p.Ile159=; no amino-acid change (isoleucine 159 retained).
Molecular consequence: synonymous variant. On other transcripts: intron variant (1).
Genome position (GRCh38, 1-based): chrX:107,642,437, C>T. VCF-style: chrX-107642437-C-T. GRCh37 (hg19) VCF-style: chrX-106885667-C-T.
Other names: p.Ile159=; c.-82-2740C>T (NM_001204402.2).
Identifiers: ClinVar variation 94083 (VCV000094083.35), dbSNP rs61752962, ClinGen allele CA147596.

ClinVar aggregate classification (germline): Benign/Likely benign. Review status: criteria provided, multiple submitters, no conflicts (2 of 4 stars). 18 submissions from 13 submitters: Benign (15); Likely benign (1). 2 of the submissions do not count toward it. Last evaluated 2026-02-03.

Conditions:
Charcot-Marie-Tooth Neuropathy X. Identifiers: MedGen CN118851.
Arts syndrome (ARTS). Also called: ARTS SYNDROME AND PHOSPHORIBOSYLPYROPHOSPHATE SYNTHETASE SUPERACTIVITY; MENTAL RETARDATION, X-LINKED, SYNDROMIC 18; MENTAL RETARDATION, X-LINKED, SYNDROMIC, ARTS TYPE. Identifiers: Orphanet 1187, MedGen C0796028, MONDO:0010533, OMIM 301835.
Charcot-Marie-Tooth disease X-linked recessive 5 (CMTX5). Also called: OPTIC ATROPHY, POLYNEUROPATHY, AND DEAFNESS; ROSENBERG-CHUTORIAN SYNDROME; Optic atrophy, neural deafness, and distal neurogenic amyotrophy; Charcot-Marie-Tooth Neuropathy X Type 5 (CMTX5). Identifiers: Orphanet 99014, MedGen C1839566, MONDO:0010699, OMIM 311070.
Hearing loss, X-linked 1 (DFNX1). Also called: DFNX1 Nonsyndromic Hearing Loss and Deafness; DEAFNESS, X-LINKED 2, SENSORINEURAL CONGENITAL; DFNX1 Nonsyndromic Sensorineural Hearing Loss (DFN2); DEAFNESS, X-LINKED 1. Identifiers: Orphanet 90625, MedGen C1844677, MONDO:0010577, OMIM 304500.
Phosphoribosylpyrophosphate synthetase superactivity. Identifiers: Orphanet 3222, MedGen C1970827, MONDO:0010395, OMIM 300661.

Allele frequency attached by ClinVar (database versions not stated): gnomAD exomes 0.00953 and 0.00746; 1000 Genomes Project 0.00503; 1000 Genomes Project 30x 0.00541; TOPMed 0.00555; ESP Exome Variant Server 0.00596; gnomAD 0.00596 and 0.00614; ExAC 0.00811.

Submissions (18):

Labcorp Genetics (formerly Invitae), Labcorp
Classification: Benign for Charcot-Marie-Tooth Neuropathy X. Last evaluated: 2026-02-03. Review status: criteria provided, single submitter. Criteria: Invitae Variant Classification Sherloc (09022015). Collection method: clinical testing. Allele origin: germline.

ARUP Laboratories, Molecular Genetics and Genomics, ARUP Laboratories
Classification: Benign. Last evaluated: 2025-05-15. Review status: criteria provided, single submitter. Criteria: ARUP Molecular Germline Variant Investigation Process 2024. Collection method: clinical testing. Allele origin: germline.

Mayo Clinic Laboratories, Mayo Clinic
Classification: Benign. Last evaluated: 2024-07-24. Review status: criteria provided, single submitter. Criteria: ACMG Guidelines, 2015. Collection method: clinical testing. Allele origin: germline. Observed: 25 variant alleles.
Comment: BS1, BS2, BP4, BP7

Genome-Nilou Lab
Classification: Benign for Arts syndrome. Last evaluated: 2021-10-25. Review status: criteria provided, single submitter. Criteria: ACMG Guidelines, 2015. Collection method: clinical testing. Allele origin: germline. Affected: no.

Genome-Nilou Lab
Classification: Benign for Charcot-Marie-Tooth disease X-linked recessive 5. Last evaluated: 2021-10-25. Review status: criteria provided, single submitter. Criteria: ACMG Guidelines, 2015. Collection method: clinical testing. Allele origin: germline. Affected: no.

Genome-Nilou Lab
Classification: Benign for Hearing loss, X-linked 1. Last evaluated: 2021-10-25. Review status: criteria provided, single submitter. Criteria: ACMG Guidelines, 2015. Collection method: clinical testing. Allele origin: germline. Affected: no.

Genome-Nilou Lab
Classification: Benign for Phosphoribosylpyrophosphate synthetase superactivity. Last evaluated: 2021-10-25. Review status: criteria provided, single submitter. Criteria: ACMG Guidelines, 2015. Collection method: clinical testing. Allele origin: germline. Affected: no.

Fulgent Genetics
Classification: Likely benign for Phosphoribosylpyrophosphate synthetase superactivity; Arts syndrome; Hearing loss, X-linked 1; Charcot-Marie-Tooth disease X-linked recessive 5. Last evaluated: 2021-07-21. Review status: criteria provided, single submitter. Criteria: ACMG Guidelines, 2015. Collection method: clinical testing. Allele origin: unknown.

Illumina Laboratory Services, Illumina
Classification: Benign for Hearing loss, X-linked 1. Last evaluated: 2018-01-13. Review status: criteria provided, single submitter. Criteria: ICSL Variant Classification Criteria 13 December 2019. Collection method: clinical testing. Allele origin: germline.
Comment: This variant was observed in the ICSL laboratory as part of a predisposition screen in an ostensibly healthy population. It had not been previously curated by ICSL or reported in the Human Gene Mutation Database (HGMD: prior to June 1st, 2018), and was therefore a candidate for classification through an automated scoring system. Utilizing variant allele frequency, disease prevalence and penetrance estimates, and inheritance mode, an automated score was calculated to assess if this variant is too frequent to cause the disease. Based on the score and internal cut-off values, a variant classified as benign is not then subjected to further curation. The score for this variant resulted in a classification of benign for this disease.

Illumina Laboratory Services, Illumina
Classification: Benign for Phosphoribosylpyrophosphate synthetase superactivity. Last evaluated: 2018-01-13. Review status: criteria provided, single submitter. Criteria: ICSL Variant Classification Criteria 13 December 2019. Collection method: clinical testing. Allele origin: germline.
Comment: the same text as in the submission from Illumina Laboratory Services, Illumina above.

Illumina Laboratory Services, Illumina
Classification: Benign for Arts syndrome. Last evaluated: 2018-01-13. Review status: criteria provided, single submitter. Criteria: ICSL Variant Classification Criteria 13 December 2019. Collection method: clinical testing. Allele origin: germline.
Comment: the same text as in the submission from Illumina Laboratory Services, Illumina above.

GeneDx
Classification: Benign. Last evaluated: 2015-03-03. Review status: criteria provided, single submitter. Criteria: GeneDx Variant Classification Process June 2021. Collection method: clinical testing. Allele origin: germline. Affected: yes.

Eurofins Ntd Llc (ga)
Classification: Benign. Last evaluated: 2014-02-19. Review status: criteria provided, single submitter. Criteria: EGL Classification Definitions 2015. Collection method: clinical testing. Allele origin: germline. Observed: 1 variant allele, 1 hemizygote.

Laboratory for Molecular Medicine, Mass General Brigham Personalized Medicine
Classification: Benign. Last evaluated: 2012-05-07. Review status: criteria provided, single submitter. Criteria: LMM Criteria. Collection method: clinical testing. Allele origin: germline. Observed: 17 variant alleles.
Comment: "Ile159Ile in Exon 04 of PRPS1: This variant is not expected to have clinical si gnificance because it does not alter an amino acid residue, is not located withi n the splice consensus sequence, and has been identified in 0.8% (42/5545) of Eu ropean American chromosomes from a broad population by the NHLBI Exome Sequencin g Project (dbSNP rs61752962)."

Breakthrough Genomics
Classification: Benign. Review status: criteria provided, single submitter. Criteria: ACMG Guidelines, 2015. Collection method: not provided. Allele origin: germline. Inheritance: X-linked inheritance. Affected: yes.

PreventionGenetics, part of Exact Sciences
Classification: Benign. Review status: criteria provided, single submitter. Criteria: ACMG Guidelines, 2015. Collection method: clinical testing. Allele origin: germline.

Clinical Genetics, Academic Medical Center
Classification: Benign. Review status: no assertion criteria provided. Collection method: clinical testing. Allele origin: germline. Affected: yes. Study: VKGL Data-share Consensus. Not counted in ClinVar's aggregate classification.

Diagnostic Laboratory, Department of Genetics, University Medical Center Groningen
Classification: Likely benign. Review status: no assertion criteria provided. Collection method: clinical testing. Allele origin: germline. Affected: yes. Study: VKGL Data-share Consensus. Not counted in ClinVar's aggregate classification.